The following is an entry in ClinVar:

NM_021922.3(FANCE):c.135G>T (p.Gly45=)

Genes: FANCE (FA complementation group E; plus strand), LOC129996245 (ATAC-STARR-seq lymphoblastoid silent region 17092; plus strand). Cytogenetic location: 6p21.31.
Variant type: single nucleotide variant.
Coding change: c.135G>T on transcript NM_021922.3 (MANE Select); coding-DNA position 135, G replaced by T.
Protein change: p.Gly45=; no amino-acid change (glycine 45 retained).
Molecular consequence: synonymous variant.
Genome position (GRCh38, 1-based): chr6:35,452,680, G>T. VCF-style: chr6-35452680-G-T. GRCh37 (hg19) VCF-style: chr6-35420457-G-T.
Other names: c.135G>T, p.Gly45= (NM_001410876.1).
Identifiers: ClinVar variation 4988871 (VCV004988871.1).

ClinVar aggregate classification (germline): Likely benign (1 of 4 stars; one submission).

Conditions:
FANCE-related disorder. Also called: FANCE-related condition.

gnomAD v4.1: 2 of 1,240,996 alleles (0.00016%); highest among the groups gnomAD compares: Non-Finnish European, 0.0002%; no homozygotes.

Submission:

PreventionGenetics, part of Exact Sciences
Classification: Likely benign for FANCE-related condition. Last evaluated: 2024-12-03. Review status: criteria provided, single submitter. Criteria: ACMG Guidelines, 2015. Collection method: clinical testing. Allele origin: germline.
Comment: This variant is classified as likely benign based on ACMG/AMP sequence variant interpretation guidelines (Richards et al. 2015 PMID: 25741868, with internal and published modifications).